The following is an entry in ClinVar:

ClinVar aggregate classification (germline): Conflicting classifications of pathogenicity. Review status: criteria provided, conflicting classifications (1 of 4 stars). 2 submissions from 2 submitters: Uncertain significance (1); Benign (1). Last evaluated 2023-01-01.

Conditions:
COG5-congenital disorder of glycosylation. Also called: CDG IIi; CONGENITAL DISORDER OF GLYCOSYLATION, TYPE IIi; COG5-CDG. Identifiers: Orphanet 263487, MedGen C3150876, MONDO:0013325, OMIM 613612.

Allele frequency attached by ClinVar (database versions not stated): 1000 Genomes Project 0.00280; 1000 Genomes Project 30x 0.00328; gnomAD exomes 0.00358; gnomAD 0.00433 and 0.00452; TOPMed 0.00581.
gnomAD v4.1: 672 of 153,454 alleles (0.44%); highest among the groups gnomAD compares: Middle Eastern, 2%; 4 homozygotes.

Submissions (2):

CeGaT Center for Human Genetics Tuebingen
Classification: Benign. Last evaluated: 2023-01-01. Review status: criteria provided, single submitter. Criteria: CeGaT Center For Human Genetics Tuebingen Variant Classification Criteria Version 2. Collection method: clinical testing. Allele origin: germline. Affected: yes. Observed: 1 variant allele.
Comment: COG5: BS1, BS2; HBP1: BS1, BS2

Illumina Laboratory Services, Illumina
Classification: Uncertain significance for COG5-congenital disorder of glycosylation. Last evaluated: 2018-01-13. Review status: criteria provided, single submitter. Criteria: ICSL Variant Classification Criteria 13 December 2019. Collection method: clinical testing. Allele origin: germline.

NM_012257.4(HBP1):c.*448C>T

Genes: COG5 (component of oligomeric golgi complex 5; minus strand), HBP1 (HMG-box transcription factor 1; plus strand). Cytogenetic location: 7q22.3.
Variant type: single nucleotide variant.
Coding change: c.*448C>T on transcript NM_012257.4 (MANE Select); 448 bases downstream of the stop codon, C replaced by T.
Molecular consequence: 3 prime UTR variant.
Genome position (GRCh38, 1-based): chr7:107,201,879, C>T. VCF-style: chr7-107201879-C-T. GRCh37 (hg19) VCF-style: chr7-106842324-C-T.
Other names: c.*1637G>A (NM_001379511.1, NM_001379512.1, NM_001379513.1 and 5 more transcripts); c.*448C>T (NM_001244262.2).
Identifiers: ClinVar variation 358435 (VCV000358435.29), dbSNP rs147954001, ClinGen allele CA10627863.
Genomic context (GRCh38, chr7:107,201,879, plus strand): 5'-CTCCTTACTGCTTATTAATCTGTATTGTACACATGATGAAATGAAGCAGAAGCTGGGAGT[C>T]GGCCTTTCCTCTAGTAACCACCACATGGCTCAGCATCTGTGCCAAACATAGGCGCTCCTA-3'